The following is an entry in ClinVar:

ClinVar aggregate classification (germline): Likely pathogenic. Review status: criteria provided, multiple submitters, no conflicts (2 of 4 stars). 2 submissions from 2 submitters: Likely pathogenic (2). Last evaluated 2025-09-26.

Conditions:
Lysinuric protein intolerance (LPI). Identifiers: Orphanet 470, MedGen C0268647, MONDO:0009109, OMIM 222700.

Submissions (2):

Natera, Inc.
Classification: Likely pathogenic for Lysinuric protein intolerance. Last evaluated: 2025-09-26. Review status: criteria provided, single submitter. Criteria: Natera Variant Classification Schema (03/2026). Collection method: clinical testing. Allele origin: germline.
Comment: The c.1013_1025delGCTCAAGAGAAGG variant in SLC7A7 is a frameshift variant predicted to shift the reading frame beginning at codon 338 and leads to a stop codon 9 codons downstream. This variant is expected to result in nonsense mediated decay, truncation, or a dysfunctional protein product. This variant is rare in the general population with a frequency below the threshold expected for the associated phenotype(s). Given the available evidence, this variant is classified as Likely Pathogenic.

Baylor Genetics
Classification: Likely pathogenic for Lysinuric protein intolerance. Last evaluated: 2022-10-04. Review status: criteria provided, single submitter. Criteria: ACMG Guidelines, 2015. Collection method: clinical testing. Allele origin: unknown.

NM_003982.4(SLC7A7):c.1013_1025del (p.Gly338fs)

Gene: SLC7A7 (solute carrier family 7 member 7; minus strand). Cytogenetic location: 14q11.2.
Variant type: Deletion.
Coding change: c.1013_1025del on transcript NM_003982.4 (MANE Select); coding-DNA positions 1013 to 1025, 13 bases deleted (GCTCAAGAGAAGG).
Protein change: p.Gly338fs; shifts the reading frame from glycine 338.
Molecular consequence: frameshift variant.
Genome position (GRCh38, 1-based): chr14:22,775,514-22,775,526, CCTTCTCTTGAGC deleted on the plus strand (GCTCAAGAGAAGG on the coding strand, the reverse complement: SLC7A7 is on the minus strand); deleting any 13 consecutive bases within chr14:22,775,514-22,775,528 gives the same sequence; the c. name uses the placement nearest the transcript's 3' end. VCF-style (leftmost placement, unchanged base first): chr14-22775513-GCCTTCTCTTGAGC-G. GRCh37 (hg19) VCF-style: chr14-23244722-GCCTTCTCTTGAGC-G.
Other names: c.1013_1025del, p.Gly338fs (NM_001126105.3, NM_001126106.4); c.1013_1025delGCTCAAGAGAAGG (NM_001126106.2); short protein forms G338fs.
Identifiers: ClinVar variation 2678988 (VCV002678988.2), dbSNP rs2501842233, ClinGen allele CA2695199791.